The following is an entry in ClinVar:

ClinVar aggregate classification (germline): Uncertain significance (1 of 4 stars; one submission).

Submission:

Labcorp Genetics (formerly Invitae), Labcorp
Classification: Uncertain significance. Last evaluated: 2023-12-08. Review status: criteria provided, single submitter. Criteria: Invitae Variant Classification Sherloc (09022015). Collection method: clinical testing. Allele origin: unknown.
Comment: This variant is a gross deletion of the genomic region encompassing exon(s) 1-4 of the GNA11 gene, which includes the initiator codon. This deletion extends beyond the assayed region for this gene and therefore may encompass additional genes. It is expected to result in an absent or disrupted protein product. However, the current clinical and genetic evidence is not sufficient to establish whether loss-of-function variants in GNA11 cause disease. This variant has not been reported in the literature in individuals affected with GNA11-related conditions. Experimental studies and prediction algorithms are not available or were not evaluated, and the functional significance of this variant is currently unknown. In summary, the available evidence is currently insufficient to determine the role of this variant in disease. Therefore, it has been classified as a Variant of Uncertain Significance.

NC_000019.9:g.(?_3094650)_(3115090_?)del

Gene: GNA11 (G protein subunit alpha 11; plus strand). Cytogenetic location: 19p13.3.
Variant type: Deletion.
Identifiers: ClinVar variation 3242669 (VCV003242669.1).